The following is an entry in ClinVar:

ClinVar aggregate classification (germline): Likely pathogenic (1 of 4 stars; one submission).

Submission:

GeneDx
Classification: Likely pathogenic. Last evaluated: 2026-03-08. Review status: criteria provided, single submitter. Criteria: GeneDx Variant Classification Process June 2021. Collection method: clinical testing. Allele origin: germline.
Comment: Nonsense variant predicted to result in protein truncation or nonsense mediated decay in a gene for which loss of function is a known mechanism of disease; Has not been previously published as pathogenic or benign to our knowledge

NM_001318852.2(MAPK8IP3):c.3559C>T (p.Arg1187Ter)

Gene: MAPK8IP3 (mitogen-activated protein kinase 8 interacting protein 3; plus strand). Cytogenetic location: 16p13.3.
Variant type: single nucleotide variant.
Coding change: c.3559C>T on transcript NM_001318852.2 (MANE Select); coding-DNA position 3559, C replaced by T.
Protein change: p.Arg1187Ter; replaces arginine 1187 with a stop codon.
Molecular consequence: nonsense.
Genome position (GRCh38, 1-based): chr16:1,768,104, C>T. VCF-style: chr16-1768104-C-T. GRCh37 (hg19) VCF-style: chr16-1818105-C-T.
Other names: c.3538C>T, p.Arg1180Ter (NM_001040439.2); c.3556C>T, p.Arg1186Ter (NM_015133.5); short protein forms R1180*, R1186*, R1187*.
Identifiers: ClinVar variation 4891515 (VCV004891515.1).